The following is an entry in ClinVar:

ClinVar aggregate classification (germline): Uncertain significance. Review status: criteria provided, multiple submitters, no conflicts (2 of 4 stars). 2 submissions from 2 submitters: Uncertain significance (2). Last evaluated 2025-03-18.

Conditions:
Inborn genetic diseases. Identifiers: MedGen C0950123, MeSH D030342.

Allele frequency attached by ClinVar (database versions not stated): ExAC 0.00005; gnomAD exomes 0.00002; gnomAD 0.00007; TOPMed 0.00008.
gnomAD v4.1: 45 of 1,613,110 alleles (0.0028%); highest among the groups gnomAD compares: African/African-American, 0.023%; no homozygotes.

Submissions (2):

Ambry Genetics
Classification: Uncertain significance for Inborn genetic diseases. Last evaluated: 2025-03-18. Review status: criteria provided, single submitter. Criteria: Ambry Variant Classification Scheme 2023. Collection method: clinical testing. Allele origin: germline.

Labcorp Genetics (formerly Invitae), Labcorp
Classification: Uncertain significance. Last evaluated: 2021-12-15. Review status: criteria provided, single submitter. Criteria: Invitae Variant Classification Sherloc (09022015). Collection method: clinical testing. Allele origin: germline.
Comment: In summary, the available evidence is currently insufficient to determine the role of this variant in disease. Therefore, it has been classified as a Variant of Uncertain Significance. Algorithms developed to predict the effect of missense changes on protein structure and function output the following: SIFT: "Deleterious"; PolyPhen-2: "Benign"; Align-GVGD: "Class C35". The glutamine amino acid residue is found in multiple mammalian species, which suggests that this missense change does not adversely affect protein function. This variant has not been reported in the literature in individuals affected with OSGEP-related conditions. This variant is present in population databases (rs769867276, gnomAD 0.01%). This sequence change replaces arginine, which is basic and polar, with glutamine, which is neutral and polar, at codon 50 of the OSGEP protein (p.Arg50Gln).

NM_017807.4(OSGEP):c.149G>A (p.Arg50Gln)

Genes: OSGEP (O-sialoglycoprotein endopeptidase; minus strand), LOC107372315 (OSGEP/APEX1 bi-directional promoter region; plus strand). Cytogenetic location: 14q11.2.
Variant type: single nucleotide variant.
Coding change: c.149G>A on transcript NM_017807.4 (MANE Select); coding-DNA position 149, G replaced by A.
Protein change: p.Arg50Gln; replaces arginine 50 with glutamine.
Molecular consequence: missense variant.
Genome position (GRCh38, 1-based): chr14:20,452,415, C>T on the plus strand (G>A on the coding strand, the complement: OSGEP is on the minus strand). VCF-style: chr14-20452415-C-T. GRCh37 (hg19) VCF-style: chr14-20920574-C-T.
Other names: c.149G>A (NM_017807.3); short protein forms R50Q.
Identifiers: ClinVar variation 2057968 (VCV002057968.5), dbSNP rs769867276, ClinGen allele CA7081324.